The following is an entry in ClinVar:

NM_005033.3(EXOSC9):c.481C>T (p.Arg161Ter)

Gene: EXOSC9 (exosome component 9; plus strand). Cytogenetic location: 4q27.
Variant type: single nucleotide variant.
Coding change: c.481C>T on transcript NM_005033.3 (MANE Select); coding-DNA position 481, C replaced by T.
Protein change: p.Arg161Ter; replaces arginine 161 with a stop codon.
Molecular consequence: nonsense.
Genome position (GRCh38, 1-based): chr4:121,804,718, C>T. VCF-style: chr4-121804718-C-T. GRCh37 (hg19) VCF-style: chr4-122725873-C-T.
Other names: c.481C>T, p.Arg161Ter (NM_001034194.2); short protein forms R161*.
Identifiers: ClinVar variation 549846 (VCV000549846.9), dbSNP rs372318863, ClinGen allele CA3063413.

ClinVar aggregate classification (germline): Pathogenic/Likely pathogenic. Review status: criteria provided, multiple submitters, no conflicts (2 of 4 stars). 4 submissions from 4 submitters: Pathogenic (1); Likely pathogenic (2). 1 of the submissions does not count toward it. Last evaluated 2024-02-20.

Conditions:
Pontocerebellar hypoplasia, type 1D. Identifiers: MedGen C4748058, MONDO:0054844, OMIM 618065.

Allele frequency attached by ClinVar (database versions not stated): ESP Exome Variant Server 0.00008; TOPMed 0.00008.
gnomAD v4.1: 25 of 1,612,964 alleles (0.0015%); highest among the groups gnomAD compares: African/African-American, 0.015%; no homozygotes.

Submissions (4):

Labcorp Genetics (formerly Invitae), Labcorp
Classification: Pathogenic. Last evaluated: 2024-02-20. Review status: criteria provided, single submitter. Criteria: Invitae Variant Classification Sherloc (09022015). Collection method: clinical testing. Allele origin: germline.
Comment: This sequence change creates a premature translational stop signal (p.Arg161*) in the EXOSC9 gene. It is expected to result in an absent or disrupted protein product. Loss-of-function variants in EXOSC9 are known to be pathogenic (PMID: 29727687, 33040083). This variant is present in population databases (rs372318863, gnomAD 0.03%). This premature translational stop signal has been observed in individual(s) with clinical features of pontocerebellar hypoplasia (PMID: 29727687). ClinVar contains an entry for this variant (Variation ID: 549846). For these reasons, this variant has been classified as Pathogenic.

GeneDx
Classification: Likely pathogenic. Last evaluated: 2023-06-22. Review status: criteria provided, single submitter. Criteria: GeneDx Variant Classification Process June 2021. Collection method: clinical testing. Allele origin: germline. Affected: yes.
Comment: Nonsense variant predicted to result in protein truncation or nonsense mediated decay in a gene for which loss-of-function is a known mechanism of disease; This variant is associated with the following publications: (PMID: 32504085, 33040083, 30690203, 29727687, 33119769)

Women's Health and Genetics/Laboratory Corporation of America, LabCorp
Classification: Likely pathogenic for Pontocerebellar hypoplasia, type 1D. Last evaluated: 2022-10-12. Review status: criteria provided, single submitter. Criteria: LabCorp Variant Classification Summary - May 2015. Collection method: clinical testing. Allele origin: germline.
Comment: Variant summary: EXOSC9 c.481C>T (p.Arg161X) results in a premature termination codon, predicted to cause a truncation of the encoded protein or absence of the protein due to nonsense mediated decay, which are commonly known mechanisms for disease. The variant allele was found at a frequency of 2e-05 in 251018 control chromosomes (gnomAD). c.481C>T has been reported in the literature in at least one compound heterozygous individual affected with Spinal Motor Neuronopathy (Burns_2018). This data does not allow any conclusion about variant significance. Additional Western blot analysis using muscle extracts from this same compound heterozygous individual showed that there was severe reduction in EXOSC9 protein (Burns_2018). Two ClinVar submitters have assessed the variant since 2014: one classified the variant as likely pathogenic, and one as pathogenic. Based on the evidence outlined above, the variant was classified as likely pathogenic.

OMIM
Classification: Pathogenic for PONTOCEREBELLAR HYPOPLASIA, TYPE 1D. Last evaluated: 2018-07-27. Review status: no assertion criteria provided. Collection method: literature only. Allele origin: germline. Not counted in ClinVar's aggregate classification.

Literature cited by the submitters: PubMed 29727687 (cited by 3 submitters); PubMed 33040083 (cited by Labcorp Genetics (formerly Invitae), Labcorp).